The following is an entry in ClinVar:

ClinVar aggregate classification (germline): Uncertain significance (1 of 4 stars; one submission).

Submission:

GeneDx
Classification: Uncertain significance. Last evaluated: 2026-02-06. Review status: criteria provided, single submitter. Criteria: GeneDx Variant Classification Process June 2021. Collection method: clinical testing. Allele origin: germline.
Comment: Not observed at significant frequency in large population cohorts (gnomAD); In silico analysis supports that this missense variant has a deleterious effect on protein structure/function; Has not been previously published as pathogenic or benign to our knowledge

NM_015215.4(CAMTA1):c.533A>G (p.His178Arg)

Gene: CAMTA1 (calmodulin binding transcription activator 1; plus strand). Cytogenetic location: 1p36.23.
Variant type: single nucleotide variant.
Coding change: c.533A>G on transcript NM_015215.4 (MANE Select); coding-DNA position 533, A replaced by G.
Protein change: p.His178Arg; replaces histidine 178 with arginine.
Molecular consequence: missense variant.
Genome position (GRCh38, 1-based): chr1:7,640,422, A>G. VCF-style: chr1-7640422-A-G. GRCh37 (hg19) VCF-style: chr1-7700482-A-G.
Other names: c.443A>G, p.His148Arg (NM_001349608.2, NM_001349612.2); c.533A>G, p.His178Arg (NM_001349609.2, NM_001349610.2, NM_001410737.1); c.461A>G, p.His154Arg (NM_001410738.1); short protein forms H148R, H154R, H178R.
Identifiers: ClinVar variation 2577772 (VCV002577772.2), dbSNP rs2523091544, ClinGen allele CA338112451.
Genomic context (GRCh38, chr1:7,640,422, plus strand): 5'-TGCCACCCTCATGCTGCCAGTCTCTGCTCTCCCCACAGAACCCCGACATCGTCCTGGTGC[A>G]CTACCTGAACGTGCCGGCCATCGAGGACTGCGGCAAGCCTTGCGGCCCCATCCTCTGCTC-3'
Protein context (NP_056030.1, residues 168-188): LLQNPDIVLV[His178Arg]YLNVPAIEDC